The following is an entry in ClinVar:

NM_004329.3(BMPR1A):c.1363T>C (p.Leu455=)

Gene: BMPR1A (bone morphogenetic protein receptor type 1A; plus strand). Cytogenetic location: 10q23.2.
Variant type: single nucleotide variant.
Coding change: c.1363T>C on transcript NM_004329.3 (MANE Select); coding-DNA position 1363, T replaced by C.
Protein change: p.Leu455=; no amino-acid change (leucine 455 retained).
Molecular consequence: synonymous variant. On other transcripts: non-coding transcript variant (3).
Genome position (GRCh38, 1-based): chr10:86,923,396, T>C. VCF-style: chr10-86923396-T-C. GRCh37 (hg19) VCF-style: chr10-88683153-T-C.
Other names: c.1438T>C, p.Leu480= (NM_001406559.1); c.1411T>C, p.Leu471= (NM_001406560.1); c.1363T>C, p.Leu455= (NM_001406561.1, NM_001406562.1, NM_001406563.1 and 19 more transcripts); c.1357T>C, p.Leu453= (NM_001406583.1); c.1279T>C, p.Leu427= (NM_001406584.1, NM_001406585.1, NM_001406586.1 and 2 more transcripts); c.1021T>C, p.Leu341= (NM_001406589.1).
Identifiers: ClinVar variation 3378741 (VCV003378741.2).
Genomic context (GRCh38, chr10:86,923,396, plus strand): 5'-GCAACCATTTTTGTGCCCATGTTTTCTCATTCCCTTATAGGGATCGTGGAAGAATACCAA[T>C]TGCCATATTACAACATGGTACCGAGTGATCCGTCATACGAAGATATGCGTGAGGTTGTGT-3'
Protein context (NP_004320.2, residues 445-465): ITGGIVEEYQ[Leu455=]PYYNMVPSDP

ClinVar aggregate classification (germline): Benign/Likely benign. Review status: criteria provided, multiple submitters, no conflicts (2 of 4 stars). 2 submissions from 2 submitters: Benign (1); Likely benign (1). Last evaluated 2026-01-23.

Conditions:
Hereditary cancer-predisposing syndrome. Also called: Hereditary neoplastic syndrome; Tumor predisposition; Neoplastic Syndromes, Hereditary; Hereditary Cancer Syndrome. Identifiers: Orphanet 140162, MedGen C0027672, MeSH D009386, MONDO:0015356.
Juvenile polyposis syndrome (JPS). Identifiers: Orphanet 2929, MedGen C0345893, MONDO:0017380, OMIM 174900.

Submissions (2):

Ambry Genetics
Classification: Likely benign for Hereditary cancer-predisposing syndrome. Last evaluated: 2026-01-23. Review status: criteria provided, single submitter. Criteria: Ambry Variant Classification Scheme 2023. Collection method: clinical testing. Allele origin: germline.

Myriad Genetics, Inc.
Classification: Benign for Juvenile polyposis syndrome. Last evaluated: 2024-08-07. Review status: criteria provided, single submitter. Criteria: Myriad Autosomal Dominant, Autosomal Recessive and X-Linked Classification Criteria (2023). Collection method: clinical testing. Allele origin: unknown.
Comment: This variant is considered benign. This variant is a silent/synonymous amino acid change and it is not expected to impact splicing.